The following is an entry in ClinVar:

ClinVar aggregate classification (germline): Likely benign (1 of 4 stars; one submission).

gnomAD v4.1: 5 of 1,211,120 alleles (0.00041%); highest among the groups gnomAD compares: Non-Finnish European, 0.00056%; no homozygotes.

Submission:

CeGaT Center for Human Genetics Tuebingen
Classification: Likely benign. Last evaluated: 2025-07-01. Review status: criteria provided, single submitter. Criteria: CeGaT Center For Human Genetics Tuebingen Variant Classification Criteria Version 2. Collection method: clinical testing. Allele origin: germline. Affected: yes. Observed: 1 variant allele.
Comment: DMD: BP4, BP7

NM_004006.3(DMD):c.2655T>G (p.Pro885=)

Gene: DMD (dystrophin; minus strand). Cytogenetic location: Xp21.1.
Variant type: single nucleotide variant.
Coding change: c.2655T>G on transcript NM_004006.3 (MANE Select); coding-DNA position 2655, T replaced by G.
Protein change: p.Pro885=; no amino-acid change (proline 885 retained).
Molecular consequence: synonymous variant.
Genome position (GRCh38, 1-based): chrX:32,485,067, A>C on the plus strand (T>G on the coding strand, the complement: DMD is on the minus strand). VCF-style: chrX-32485067-A-C. GRCh37 (hg19) VCF-style: chrX-32503184-A-C.
Other names: c.2631T>G, p.Pro877= (NM_000109.4); c.2643T>G, p.Pro881= (NM_004009.3); c.2286T>G, p.Pro762= (NM_004010.3).
Identifiers: ClinVar variation 4085387 (VCV004085387.8).
Genomic context (GRCh38, chrX:32,485,067, plus strand): 5'-CATGGGTCCTTGTCCTTTCTCTTTCAGGGCTATGCTTTGAATTTTTAATCGTTCAATTTG[A>C]GGTTGAAGATCTGATAGCCGGTTGACTTCATCCTGTGCCATAGAGTATGGAAAGTAAGTA-3'
Protein context (NP_003997.2, residues 875-895): DEVNRLSDLQ[Pro885=]QIERLKIQSI